The following is an entry in ClinVar:

ClinVar aggregate classification (germline): Uncertain significance. Review status: criteria provided, multiple submitters, no conflicts (2 of 4 stars). 2 submissions from 2 submitters: Uncertain significance (2). Last evaluated 2026-08-16.

Conditions:
Deafness-lymphedema-leukemia syndrome. Also called: Emberger syndrome; Lymphedema, primary, with myelodysplasia. Identifiers: Orphanet 3226, MedGen C3279664, MONDO:0013540, OMIM 614038.
Monocytopenia with susceptibility to infections. Also called: MONOCYTOPENIA AND MYCOBACTERIAL INFECTION SYNDROME; MONOCYTOPENIA WITH SUSCEPTIBILITY TO MYCOBACTERIAL, FUNGAL, AND PAPILLOMAVIRUS INFECTIONS AND MYELODYSPLASIA; COMBINED IMMUNODEFICIENCY WITH SUSCEPTIBILITY TO MYCOBACTERIAL, VIRAL, AND FUNGAL INFECTIONS; Dendritic cell, monocyte, B lymphocyte, and natural killer lymphocyte deficiency; GATA2 DEFICIENCY; IMMUNODEFICIENCY 21. Identifiers: Orphanet 228423, MedGen C3280030, MONDO:0013607, OMIM 614172.
Inborn genetic diseases. Identifiers: MedGen C0950123, MeSH D030342.

Submissions (2):

Ambry Genetics
Classification: Uncertain significance for Inborn genetic diseases. Last evaluated: 2026-08-16. Review status: criteria provided, single submitter. Criteria: Ambry Variant Classification Scheme 2023. Collection method: clinical testing. Allele origin: germline.
Comment: The p.A110V variant (also known as c.329C>T), located in coding exon 2 of the GATA2 gene, results from a C to T substitution at nucleotide position 329. The alanine at codon 110 is replaced by valine, an amino acid with similar properties. This amino acid position is conserved. In addition, the in silico prediction for this alteration is inconclusive. Based on the available evidence, the clinical significance of this variant remains unclear.

Labcorp Genetics (formerly Invitae), Labcorp
Classification: Uncertain significance for Monocytopenia with susceptibility to infections; Deafness-lymphedema-leukemia syndrome. Last evaluated: 2023-10-09. Review status: criteria provided, single submitter. Criteria: Invitae Variant Classification Sherloc (09022015). Collection method: clinical testing. Allele origin: germline.
Comment: This sequence change replaces alanine, which is neutral and non-polar, with valine, which is neutral and non-polar, at codon 110 of the GATA2 protein (p.Ala110Val). This variant is not present in population databases (gnomAD no frequency). This variant has not been reported in the literature in individuals affected with GATA2-related conditions. Advanced modeling of protein sequence and biophysical properties (such as structural, functional, and spatial information, amino acid conservation, physicochemical variation, residue mobility, and thermodynamic stability) performed at Invitae indicates that this missense variant is not expected to disrupt GATA2 protein function. In summary, the available evidence is currently insufficient to determine the role of this variant in disease. Therefore, it has been classified as a Variant of Uncertain Significance.

NM_032638.5(GATA2):c.329C>T (p.Ala110Val)

Gene: GATA2 (GATA binding protein 2; minus strand). Cytogenetic location: 3q21.3.
Variant type: single nucleotide variant.
Coding change: c.329C>T on transcript NM_032638.5 (MANE Select); coding-DNA position 329, C replaced by T.
Protein change: p.Ala110Val; replaces alanine 110 with valine.
Molecular consequence: missense variant.
Genome position (GRCh38, 1-based): chr3:128,486,269, G>A on the plus strand (C>T on the coding strand, the complement: GATA2 is on the minus strand). VCF-style: chr3-128486269-G-A. GRCh37 (hg19) VCF-style: chr3-128205112-G-A.
Other names: c.329C>T, p.Ala110Val (NM_001145661.2, NM_001145662.1); short protein forms A110V.
Identifiers: ClinVar variation 2938771 (VCV002938771.4), dbSNP rs2068698087, ClinGen allele CA354407306.
Genomic context (GRCh38, chr3:128,486,269, plus strand): 5'-GCTGAGGGGTGCAGTGGCGTCTTGGAGAAGGGGCTCACGGTCCAGGGGTTGTGGTGGTGG[G>A]CCGCAGCGGCAGAGAGGGCTGCTTTGCCCCCGTCCAGCCAGGGCAAACCCGGGCTGTGCA-3'
Protein context (NP_116027.2, residues 100-120): GGKAALSAAA[Ala110Val]HHHNPWTVSP